The following is an entry in ClinVar:

ClinVar aggregate classification (germline): Uncertain significance (1 of 4 stars; one submission).

Submission:

GeneDx
Classification: Uncertain significance. Last evaluated: 2024-02-04. Review status: criteria provided, single submitter. Criteria: GeneDx Variant Classification Process June 2021. Collection method: clinical testing. Allele origin: germline. Affected: yes.
Comment: Not observed at significant frequency in large population cohorts (gnomAD); In silico analysis supports that this missense variant does not alter protein structure/function; Has not been previously published as pathogenic or benign to our knowledge

NM_024417.5(FDXR):c.192C>A (p.His64Gln)

Gene: FDXR (ferredoxin reductase; minus strand). Cytogenetic location: 17q25.1.
Variant type: single nucleotide variant.
Coding change: c.192C>A on transcript NM_024417.5 (MANE Select); coding-DNA position 192, C replaced by A.
Protein change: p.His64Gln; replaces histidine 64 with glutamine.
Molecular consequence: missense variant. On other transcripts: non-coding transcript variant (1).
Genome position (GRCh38, 1-based): chr17:74,866,862, G>T on the plus strand (C>A on the coding strand, the complement: FDXR is on the minus strand). VCF-style: chr17-74866862-G-T. GRCh37 (hg19) VCF-style: chr17-72862984-G-T.
Other names: c.321C>A, p.His107Gln (NM_001258012.4); c.285C>A, p.His95Gln (NM_001258013.4); c.192C>A, p.His64Gln (NM_001258014.4, NM_004110.6); c.195C>A, p.His65Gln (NM_001258015.3); c.36C>A, p.His12Gln (NM_001258016.3); short protein forms H107Q, H12Q, H64Q, H65Q, H95Q.
Identifiers: ClinVar variation 3368635 (VCV003368635.1).
Genomic context (GRCh38, chr17:74,866,862, plus strand): 5'-AGGCGCCACACCAAAGCGCACCAGGCCAAAGGGCACAGGCTGTTTCTCGTAGATGTCCAC[G>T]TGGGCCTGGGGGTGCTGCTGGGGAACAGGGTGGCAGCTGGTGGGGCCGAGAGAGAGAGGC-3'
Protein context (NP_077728.3, residues 54-74): AQHLLKHPQA[His64Gln]VDIYEKQPVP